The following is an entry in ClinVar:

ClinVar aggregate classification (germline): Likely pathogenic (1 of 4 stars; one submission).

Conditions:
Gnathodiaphyseal dysplasia (GDD). Also called: GNATHODIAPHYSEAL SCLEROSIS; OSTEOGENESIS IMPERFECTA WITH UNUSUAL SKELETAL LESIONS. Identifiers: Orphanet 53697, MedGen C1833736, MONDO:0008151, OMIM 166260.
Autosomal recessive limb-girdle muscular dystrophy type 2L (LGMDR12). Also called: Limb-Girdle Muscular Dystrophy R12 Anoctamin-5-Related (LGMD-R12); Limb-girdle muscular dystrophy, type 2L; MUSCULAR DYSTROPHY, LIMB-GIRDLE, AUTOSOMAL RECESSIVE 12. Identifiers: Orphanet 206549, MedGen C1969785, MONDO:0012652, OMIM 611307.

Submission:

Labcorp Genetics (formerly Invitae), Labcorp
Classification: Likely pathogenic for Autosomal recessive limb-girdle muscular dystrophy type 2L; Gnathodiaphyseal dysplasia. Last evaluated: 2021-12-30. Review status: criteria provided, single submitter. Criteria: Invitae Variant Classification Sherloc (09022015). Collection method: clinical testing. Allele origin: germline.
Comment: This variant is not present in population databases (gnomAD no frequency). This sequence change replaces serine, which is neutral and polar, with phenylalanine, which is neutral and non-polar, at codon 500 of the ANO5 protein (p.Ser500Phe). This missense change has been observed in individual(s) with gnathodiaphyseal dysplasia (PMID: 27541832). In at least one individual the variant was observed to be de novo. In summary, the currently available evidence indicates that the variant is pathogenic, but additional data are needed to prove that conclusively. Therefore, this variant has been classified as Likely Pathogenic. Experimental studies have shown that this missense change affects ANO5 function (PMID: 32112655). Advanced modeling of protein sequence and biophysical properties (such as structural, functional, and spatial information, amino acid conservation, physicochemical variation, residue mobility, and thermodynamic stability) performed at Invitae indicates that this missense variant is not expected to disrupt ANO5 protein function.

Literature cited by the submitters: PubMed 27541832; PubMed 32112655.

NM_213599.3(ANO5):c.1499C>T (p.Ser500Phe)

Gene: ANO5 (anoctamin 5; plus strand). Cytogenetic location: 11p14.3.
Variant type: single nucleotide variant.
Coding change: c.1499C>T on transcript NM_213599.3 (MANE Select); coding-DNA position 1499, C replaced by T.
Protein change: p.Ser500Phe; replaces serine 500 with phenylalanine.
Molecular consequence: missense variant.
Genome position (GRCh38, 1-based): chr11:22,259,610, C>T. VCF-style: chr11-22259610-C-T. GRCh37 (hg19) VCF-style: chr11-22281156-C-T.
Other names: c.1496C>T, p.Ser499Phe (NM_001142649.2); c.1457C>T, p.Ser486Phe (NM_001410963.1); c.1454C>T, p.Ser485Phe (NM_001410964.1); short protein forms S500F, S499F, S485F, S486F.
Identifiers: ClinVar variation 2137032 (VCV002137032.4), dbSNP rs2494306436, ClinGen allele CA379922165.